The following is an entry in ClinVar:

ClinVar aggregate classification (germline): Uncertain significance. Review status: criteria provided, multiple submitters, no conflicts (2 of 4 stars). 4 submissions from 4 submitters: Uncertain significance (4). Last evaluated 2025-03-18.

Conditions:
Inborn genetic diseases. Identifiers: MedGen C0950123, MeSH D030342.
Marinesco-Sjögren syndrome (MSS). Also called: Marinesco-SjÃ¶gren syndrome; Marinesco-Sjogren Syndrome. Identifiers: Orphanet 559, MedGen C0024814, MONDO:0009567, OMIM 248800.

Allele frequency attached by ClinVar (database versions not stated): TOPMed 0.00003; ExAC 0.00003; gnomAD 0.00006; 1000 Genomes Project 0.00040; 1000 Genomes Project 30x 0.00047.
gnomAD v4.1: 64 of 1,614,140 alleles (0.004%); highest among the groups gnomAD compares: East Asian, 0.033%; no homozygotes.

Submissions (4):

Ambry Genetics
Classification: Uncertain significance for Inborn genetic diseases. Last evaluated: 2025-03-18. Review status: criteria provided, single submitter. Criteria: Ambry Variant Classification Scheme 2023. Collection method: clinical testing. Allele origin: germline.

Genomic Medicine Center of Excellence, King Faisal Specialist Hospital and Research Centre
Classification: Uncertain significance for Marinesco-Sjögren syndrome. Last evaluated: 2024-03-26. Review status: criteria provided, single submitter. Criteria: ACMG Guidelines, 2015. Collection method: clinical testing. Allele origin: germline.

Labcorp Genetics (formerly Invitae), Labcorp
Classification: Uncertain significance for Marinesco-Sjögren syndrome. Last evaluated: 2022-08-21. Review status: criteria provided, single submitter. Criteria: Invitae Variant Classification Sherloc (09022015). Collection method: clinical testing. Allele origin: germline.
Comment: This sequence change replaces proline, which is neutral and non-polar, with leucine, which is neutral and non-polar, at codon 72 of the SIL1 protein (p.Pro72Leu). This variant is present in population databases (rs201636421, gnomAD 0.02%). This variant has not been reported in the literature in individuals affected with SIL1-related conditions. Algorithms developed to predict the effect of missense changes on protein structure and function are either unavailable or do not agree on the potential impact of this missense change (SIFT: "Tolerated"; PolyPhen-2: "Probably Damaging"; Align-GVGD: "Class C0"). In summary, the available evidence is currently insufficient to determine the role of this variant in disease. Therefore, it has been classified as a Variant of Uncertain Significance.

Revvity Omics, Revvity
Classification: Uncertain significance for Marinesco-Sjögren syndrome. Last evaluated: 2020-08-10. Review status: criteria provided, single submitter. Criteria: ACMG Guidelines, 2015. Collection method: clinical testing. Allele origin: germline.

NM_022464.5(SIL1):c.215C>T (p.Pro72Leu)

Gene: SIL1 (SIL1 nucleotide exchange factor; minus strand). Cytogenetic location: 5q31.2.
Variant type: single nucleotide variant.
Coding change: c.215C>T on transcript NM_022464.5 (MANE Select); coding-DNA position 215, C replaced by T.
Protein change: p.Pro72Leu; replaces proline 72 with leucine.
Molecular consequence: missense variant.
Genome position (GRCh38, 1-based): chr5:139,121,064, G>A on the plus strand (C>T on the coding strand, the complement: SIL1 is on the minus strand). VCF-style: chr5-139121064-G-A. GRCh37 (hg19) VCF-style: chr5-138456753-G-A.
Other names: c.215C>T, p.Pro72Leu (NM_001037633.2); c.215C>T (NM_022464.4); short protein forms P72L.
Identifiers: ClinVar variation 2108680 (VCV002108680.6), dbSNP rs201636421, ClinGen allele CA3432658.